The following is an entry in ClinVar:

NM_022168.4(IFIH1):c.251G>C (p.Arg84Pro)

Gene: IFIH1 (interferon induced with helicase C domain 1; minus strand). Cytogenetic location: 2q24.2.
Variant type: single nucleotide variant.
Coding change: c.251G>C on transcript NM_022168.4 (MANE Select); coding-DNA position 251, G replaced by C.
Protein change: p.Arg84Pro; replaces arginine 84 with proline.
Molecular consequence: missense variant.
Genome position (GRCh38, 1-based): chr2:162,318,057, C>G on the plus strand (G>C on the coding strand, the complement: IFIH1 is on the minus strand). VCF-style: chr2-162318057-C-G. GRCh37 (hg19) VCF-style: chr2-163174567-C-G.
Other names: short protein forms R84P.
Identifiers: ClinVar variation 4789329 (VCV004789329.1).

ClinVar aggregate classification (germline): Uncertain significance (1 of 4 stars; one submission).

Conditions:
Singleton-Merten syndrome 1 (SGMRT1). Also called: Widened medullary cavities of bone, aortic calcification, abnormal dentition, and muscular weakness; Syndrome of widened medullary cavities of the metacarpals and phalanges, aortic calcification and abnormal dentition. Identifiers: Orphanet 85191, MedGen C4225427, MONDO:0024535, OMIM 182250.
Aicardi-Goutieres syndrome 7 (AGS7). Identifiers: Orphanet 51, MedGen C3888244, MONDO:0014367, OMIM 615846.

Submission:

Labcorp Genetics (formerly Invitae), Labcorp
Classification: Uncertain significance for Aicardi-Goutieres syndrome 7; Singleton-Merten syndrome 1. Last evaluated: 2026-01-14. Review status: criteria provided, single submitter. Criteria: Invitae Variant Classification Sherloc (09022015). Collection method: clinical testing. Allele origin: germline.
Comment: This sequence change replaces arginine, which is basic and polar, with proline, which is neutral and non-polar, at codon 84 of the IFIH1 protein (p.Arg84Pro). This variant is not present in population databases (gnomAD no frequency). This variant has not been reported in the literature in individuals affected with IFIH1-related conditions. Invitae Evidence Modeling of protein sequence and biophysical properties (such as structural, functional, and spatial information, amino acid conservation, physicochemical variation, residue mobility, and thermodynamic stability) has been performed for this missense variant. However, the output from this modeling did not meet the statistical confidence thresholds required to predict the impact of this variant on IFIH1 protein function. In summary, the available evidence is currently insufficient to determine the role of this variant in disease. Therefore, it has been classified as a Variant of Uncertain Significance.